The following is an entry in ClinVar:

NC_000011.10:g.17276730A>G

Gene: LOC130005389 (ATAC-STARR-seq lymphoblastoid silent region 3183; plus strand). Cytogenetic location: 11p15.1.
Variant type: single nucleotide variant.
Genome position: GRCh38 VCF-style: chr11-17276730-A-G. GRCh37 (hg19) VCF-style: chr11-17298277-A-G.
Other names: rs4757506.
Identifiers: ClinVar variation 127110 (VCV000127110.4), dbSNP rs4757506, ClinGen allele CA249790.
Genomic context (GRCh38, chr11:17,276,730, plus strand): 5'-GCGGCCGCAGAGTGTGGGAACTGTCGCCATGGCAGCCAGGAGGCGGGCGCGCGCGGCGGG[A>G]GGAGGGGCAGAGCGGAGCGGTGGGCCGGGGGCTGGAGGACAGGTTTGTGCGCTGGACGCA-3'

ClinVar aggregate classification (germline): not provided (0 of 4 stars; one submission).

Allele frequency attached by ClinVar (database versions not stated): 1000 Genomes Project 30x 0.09416; 1000 Genomes Project 0.10084; gnomAD exomes 0.11285; TOPMed 0.13112; gnomAD 0.13370 and 0.13527.

Submission:

Genomic Research Center, Shahid Beheshti University of Medical Sciences
No classification provided. Review status: no classification provided. Collection method: not provided. Allele origin: somatic.
ClinVar note: Converted during submission from untested to not provided.